The following is an entry in ClinVar:

ClinVar aggregate classification (germline): Likely benign. Review status: criteria provided, multiple submitters, no conflicts (2 of 4 stars). 2 submissions from 2 submitters: Likely benign (2). Last evaluated 2024-07-01.

Allele frequency attached by ClinVar (database versions not stated): ExAC 0.00001; gnomAD exomes 0.00001; TOPMed 0.00002; gnomAD 0.00003.
gnomAD v4.1: 20 of 1,613,968 alleles (0.0012%); highest among the groups gnomAD compares: Admixed American, 0.0033%; no homozygotes.

Submissions (2):

CeGaT Center for Human Genetics Tuebingen
Classification: Likely benign. Last evaluated: 2024-07-01. Review status: criteria provided, single submitter. Criteria: CeGaT Center For Human Genetics Tuebingen Variant Classification Criteria Version 2. Collection method: clinical testing. Allele origin: germline. Affected: yes. Observed: 1 variant allele.
Comment: ERCC5: BP4, BP7

Labcorp Genetics (formerly Invitae), Labcorp
Classification: Likely benign. Last evaluated: 2024-06-04. Review status: criteria provided, single submitter. Criteria: Invitae Variant Classification Sherloc (09022015). Collection method: clinical testing. Allele origin: germline.

NM_000123.4(ERCC5):c.813C>T (p.Gly271=)

Genes: BIVM-ERCC5 (BIVM-ERCC5 readthrough; plus strand), ERCC5 (ERCC excision repair 5, endonuclease; plus strand). Cytogenetic location: 13q33.1.
Variant type: single nucleotide variant.
Coding change: c.813C>T on transcript NM_000123.4 (MANE Select); coding-DNA position 813, C replaced by T.
Protein change: p.Gly271=; no amino-acid change (glycine 271 retained).
Molecular consequence: synonymous variant.
Genome position (GRCh38, 1-based): chr13:102,861,647, C>T. VCF-style: chr13-102861647-C-T. GRCh37 (hg19) VCF-style: chr13-103513997-C-T.
Other names: c.2175C>T, p.Gly725= (NM_001204425.2).
Identifiers: ClinVar variation 2956844 (VCV002956844.20), dbSNP rs757662305, ClinGen allele CA7041277.